The following is an entry in ClinVar:

NM_000017.4(ACADS):c.673G>C (p.Gly225Arg)

Gene: ACADS (acyl-CoA dehydrogenase short chain; plus strand). Cytogenetic location: 12q24.31.
Variant type: single nucleotide variant.
Coding change: c.673G>C on transcript NM_000017.4 (MANE Select); coding-DNA position 673, G replaced by C.
Protein change: p.Gly225Arg; replaces glycine 225 with arginine.
Molecular consequence: missense variant.
Genome position (GRCh38, 1-based): chr12:120,738,328, G>C. VCF-style: chr12-120738328-G-C. GRCh37 (hg19) VCF-style: chr12-121176131-G-C.
Other names: c.661G>C, p.Gly221Arg (NM_001302554.2); short protein forms G221R, G225R.
Identifiers: ClinVar variation 649286 (VCV000649286.10), dbSNP rs1181743442, ClinGen allele CA386600842.
Genomic context (GRCh38, chr12:120,738,328, plus strand): 5'-CTCTCCTTTCAGGGCATCAGTGCCTTCCTGGTCCCCATGCCAACGCCTGGGCTCACGTTG[G>C]GGAAGAAAGAAGACAAGCTGGGCATCCGGGGCTCATCCACGGCCAACCTCATCTTTGAGG-3'
Protein context (NP_000008.1, residues 215-235): VPMPTPGLTL[Gly225Arg]KKEDKLGIRG

ClinVar aggregate classification (germline): Uncertain significance. Review status: criteria provided, multiple submitters, no conflicts (2 of 4 stars). 2 submissions from 2 submitters: Uncertain significance (2). Last evaluated 2020-10-01.

Conditions:
Deficiency of butyryl-CoA dehydrogenase (ACADSD). Also called: SCADH DEFICIENCY; ACADS DEFICIENCY; Short-Chain Acyl-CoA Dehydrogenase Deficiency; SCAD Deficiency; SCAD DEFICIENCY, MILD; ACYL-CoA DEHYDROGENASE, SHORT-CHAIN, DEFICIENCY OF. Identifiers: Orphanet 26792, MedGen C0342783, MONDO:0008722, OMIM 201470. Disease mechanism: May be benign.

Allele frequency attached by ClinVar (database versions not stated): gnomAD exomes below 0.00001; gnomAD 0.00001.
gnomAD v4.1: 2 of 1,614,096 alleles (0.00012%); highest among the groups gnomAD compares: East Asian, 0.0022%; no homozygotes.

Submissions (2):

Revvity Omics, Revvity
Classification: Uncertain significance for Deficiency of butyryl-CoA dehydrogenase. Last evaluated: 2020-10-01. Review status: criteria provided, single submitter. Criteria: ACMG Guidelines, 2015. Collection method: clinical testing. Allele origin: germline.

Labcorp Genetics (formerly Invitae), Labcorp
Classification: Uncertain significance for Deficiency of butyryl-CoA dehydrogenase. Last evaluated: 2018-12-04. Review status: criteria provided, single submitter. Criteria: Invitae Variant Classification Sherloc (09022015). Collection method: clinical testing. Allele origin: germline.
Comment: In summary, the available evidence is currently insufficient to determine the role of this variant in disease. Therefore, it has been classified as a Variant of Uncertain Significance. Algorithms developed to predict the effect of missense changes on protein structure and function (SIFT, PolyPhen-2, Align-GVGD) all suggest that this variant is likely to be disruptive, but these predictions have not been confirmed by published functional studies and their clinical significance is uncertain. This variant has not been reported in the literature in individuals with ACADS-related conditions. This variant is not present in population databases (ExAC no frequency). This sequence change replaces glycine with arginine at codon 225 of the ACADS protein (p.Gly225Arg). The glycine residue is highly conserved and there is a moderate physicochemical difference between glycine and arginine.